The following is an entry in ClinVar:

NM_053013.4(ENO3):c.1235+5A>G

Gene: ENO3 (enolase 3; plus strand). Cytogenetic location: 17p13.2.
Variant type: single nucleotide variant.
Coding change: c.1235+5A>G on transcript NM_053013.4 (MANE Select); 5 bases into the intron after coding-DNA position 1235, A replaced by G.
Molecular consequence: intron variant.
Genome position (GRCh38, 1-based): chr17:4,956,894, A>G. VCF-style: chr17-4956894-A-G. GRCh37 (hg19) VCF-style: chr17-4860189-A-G.
Other names: c.1262+5A>G (NM_001374524.1); c.1235+5A>G (NM_001976.5, NM_001374523.1); c.1106+5A>G (NM_001193503.2).
Identifiers: ClinVar variation 2055053 (VCV002055053.4), dbSNP rs748979350, ClinGen allele CA8316612.

ClinVar aggregate classification (germline): Uncertain significance (1 of 4 stars; one submission).

Conditions:
Glycogen storage disease due to muscle beta-enolase deficiency (GSD13). Also called: ENOLASE 3 DEFICIENCY; ENOLASE-BETA DEFICIENCY; GSD XIII; Glycogen Storage Disease Type XIII. Identifiers: Orphanet 99849, MedGen C2752027, MONDO:0013046, OMIM 612932.

Allele frequency attached by ClinVar (database versions not stated): TOPMed below 0.00001; ExAC 0.00001; gnomAD 0.00001.
gnomAD v4.1: 42 of 1,614,104 alleles (0.0026%); highest among the groups gnomAD compares: Non-Finnish European, 0.0036%; no homozygotes.

Submission:

Labcorp Genetics (formerly Invitae), Labcorp
Classification: Uncertain significance for Glycogen storage disease due to muscle beta-enolase deficiency. Last evaluated: 2023-04-24. Review status: criteria provided, single submitter. Criteria: Invitae Variant Classification Sherloc (09022015). Collection method: clinical testing. Allele origin: germline.
Comment: This sequence change falls in intron 11 of the ENO3 gene. It does not directly change the encoded amino acid sequence of the ENO3 protein. It affects a nucleotide within the consensus splice site. This variant is present in population databases (rs748979350, gnomAD 0.004%). In summary, the available evidence is currently insufficient to determine the role of this variant in disease. Therefore, it has been classified as a Variant of Uncertain Significance. Variants that disrupt the consensus splice site are a relatively common cause of aberrant splicing (PMID: 17576681, 9536098). Algorithms developed to predict the effect of sequence changes on RNA splicing suggest that this variant is not likely to affect RNA splicing. ClinVar contains an entry for this variant (Variation ID: 2055053). This variant has not been reported in the literature in individuals affected with ENO3-related conditions.

Literature cited by the submitters: PubMed 17576681; PubMed 9536098.